The following is an entry in ClinVar:

ClinVar aggregate classification (germline): Uncertain significance (1 of 4 stars; one submission).

Conditions:
Hereditary cancer-predisposing syndrome. Also called: Neoplastic Syndromes, Hereditary; Tumor predisposition; Hereditary Cancer Syndrome; Hereditary neoplastic syndrome. Identifiers: Orphanet 140162, MedGen C0027672, MeSH D009386, MONDO:0015356.

gnomAD v4.1: 1 of 1,612,284 alleles (0.000062%); highest among the groups gnomAD compares: South Asian, 0.0011%; no homozygotes.

Submission:

Ambry Genetics
Classification: Uncertain significance for Hereditary cancer-predisposing syndrome. Last evaluated: 2025-12-11. Review status: criteria provided, single submitter. Criteria: Ambry Variant Classification Scheme 2023. Collection method: clinical testing. Allele origin: germline.
Comment: The p.M435L variant (also known as c.1303A>C), located in coding exon 14 of the CDC73 gene, results from an A to C substitution at nucleotide position 1303. The methionine at codon 435 is replaced by leucine, an amino acid with highly similar properties. This amino acid position is conserved. In addition, this alteration is predicted to be tolerated by in silico analysis. Based on the available evidence, the clinical significance of this variant remains unclear.

NM_024529.5(CDC73):c.1303A>C (p.Met435Leu)

Gene: CDC73 (cell division cycle 73; plus strand). Cytogenetic location: 1q31.2.
Variant type: single nucleotide variant.
Coding change: c.1303A>C on transcript NM_024529.5 (MANE Select); coding-DNA position 1303, A replaced by C.
Protein change: p.Met435Leu; replaces methionine 435 with leucine.
Molecular consequence: missense variant.
Genome position (GRCh38, 1-based): chr1:193,233,141, A>C. VCF-style: chr1-193233141-A-C. GRCh37 (hg19) VCF-style: chr1-193202271-A-C.
Other names: short protein forms M435L.
Identifiers: ClinVar variation 4631712 (VCV004631712.1).